The following is an entry in ClinVar:

ClinVar aggregate classification (germline): Uncertain significance. Review status: criteria provided, multiple submitters, no conflicts (2 of 4 stars). 5 submissions from 5 submitters: Uncertain significance (5). Last evaluated 2025-05-26.

Conditions:
Autosomal recessive limb-girdle muscular dystrophy type 2P. Also called: Limb-Girdle Muscular Dystrophy Type 9C; MUSCULAR DYSTROPHY, LIMB-GIRDLE, TYPE 2P; MUSCULAR DYSTROPHY-DYSTROGLYCANOPATHY, LIMB-GIRDLE, DAG1-RELATED. Identifiers: Orphanet 280333, MedGen C4511963, MONDO:0013440, OMIM 613818.
Muscular dystrophy-dystroglycanopathy (congenital with brain and eye anomalies), type A9. Also called: WALKER-WARBURG SYNDROME OR MUSCLE-EYE BRAIN DISEASE, DAG1-RELATED; Muscular dystrophy-dystroglycanopathy (congenital with brain and eye anomalies), type a, 9. Identifiers: Orphanet 370997, Orphanet 899, MedGen C4225291, MONDO:0014683, OMIM 616538.
Inborn genetic diseases. Identifiers: MedGen C0950123, MeSH D030342.

Allele frequency attached by ClinVar (database versions not stated): gnomAD 0.00006 and 0.00007; TOPMed 0.00010; 1000 Genomes Project 30x 0.00016.
gnomAD v4.1: 178 of 1,614,088 alleles (0.011%); highest among the groups gnomAD compares: Non-Finnish European, 0.014%; no homozygotes.

Submissions (5):

Revvity Omics, Revvity
Classification: Uncertain significance. Last evaluated: 2025-05-26. Review status: criteria provided, single submitter. Criteria: ACMG Guidelines, 2015. Collection method: clinical testing. Allele origin: germline.

Labcorp Genetics (formerly Invitae), Labcorp
Classification: Uncertain significance for Autosomal recessive limb-girdle muscular dystrophy type 2P; Muscular dystrophy-dystroglycanopathy (congenital with brain and eye anomalies), type A9. Last evaluated: 2024-10-15. Review status: criteria provided, single submitter. Criteria: Invitae Variant Classification Sherloc (09022015). Collection method: clinical testing. Allele origin: germline.
Comment: This sequence change replaces valine, which is neutral and non-polar, with methionine, which is neutral and non-polar, at codon 570 of the DAG1 protein (p.Val570Met). This variant is present in population databases (rs370669533, gnomAD 0.01%). This variant has not been reported in the literature in individuals affected with DAG1-related conditions. ClinVar contains an entry for this variant (Variation ID: 431866). Invitae Evidence Modeling of protein sequence and biophysical properties (such as structural, functional, and spatial information, amino acid conservation, physicochemical variation, residue mobility, and thermodynamic stability) indicates that this missense variant is not expected to disrupt DAG1 protein function with a negative predictive value of 80%. In summary, the available evidence is currently insufficient to determine the role of this variant in disease. Therefore, it has been classified as a Variant of Uncertain Significance.

Ambry Genetics
Classification: Uncertain significance for Inborn genetic diseases. Last evaluated: 2024-03-25. Review status: criteria provided, single submitter. Criteria: Ambry Variant Classification Scheme 2023. Collection method: clinical testing. Allele origin: germline.

Blueprint Genetics
Classification: Uncertain significance. Last evaluated: 2023-12-14. Review status: criteria provided, single submitter. Criteria: ACMG Guidelines, 2015. Collection method: clinical testing. Allele origin: germline.

GeneDx
Classification: Uncertain significance. Last evaluated: 2018-06-27. Review status: criteria provided, single submitter. Criteria: GeneDx Variant Classification (06012015). Collection method: clinical testing. Allele origin: germline. Affected: yes.
Comment: The V570M variant has not been published as a pathogenic variant, nor has it been reported as a benign variant to our knowledge. It was not observed in approximately 6,500 individuals of European and African American ancestry in the NHLBI Exome Sequencing Project, indicating it is not a common benign variant in these populations. The V570M variant is a conservative amino acid substitution, which is not likely to impact secondary protein structure as these residues share similar properties. This substitution occurs at a position where amino acids with similar properties to Valine are tolerated across species. In silico analysis is inconsistent in its predictions as to whether or not the variant is damaging to the protein structure/function. Therefore, based on the currently available information, it is unclear whether this variant is a pathogenic variant or a rare benign variant.

NM_004393.6(DAG1):c.1708G>A (p.Val570Met)

Gene: DAG1 (dystroglycan 1; plus strand). Cytogenetic location: 3p21.31.
Variant type: single nucleotide variant.
Coding change: c.1708G>A on transcript NM_004393.6 (MANE Select); coding-DNA position 1708, G replaced by A.
Protein change: p.Val570Met; replaces valine 570 with methionine.
Molecular consequence: missense variant.
Genome position (GRCh38, 1-based): chr3:49,532,219, G>A. VCF-style: chr3-49532219-G-A. GRCh37 (hg19) VCF-style: chr3-49569652-G-A.
Other names: c.1708G>A, p.Val570Met (NM_001165928.4, NM_001177634.3, NM_001177635.3 and 9 more transcripts); c.1708G>A (NM_004393.4); short protein forms V570M.
Identifiers: ClinVar variation 431866 (VCV000431866.11), dbSNP rs370669533, ClinGen allele CA2399126.
Genomic context (GRCh38, chr3:49,532,219, plus strand): 5'-TCCTGGGTACAGTTCAACAGCAACAGCCAGCTCATGTATGGCCTTCCCGACAGCAGCCAC[G>A]TGGGCAAACACGAGTATTTCATGCATGCCACAGACAAGGGGGGCCTGTCGGCTGTGGATG-3'
Protein context (NP_004384.5, residues 560-580): LMYGLPDSSH[Val570Met]GKHEYFMHAT